The following is an entry in ClinVar:

NM_000301.5(PLG):c.1418T>C (p.Val473Ala)

Gene: PLG (plasminogen; plus strand). Cytogenetic location: 6q26.
Variant type: single nucleotide variant.
Coding change: c.1418T>C on transcript NM_000301.5 (MANE Select); coding-DNA position 1418, T replaced by C.
Protein change: p.Val473Ala; replaces valine 473 with alanine.
Molecular consequence: missense variant.
Genome position (GRCh38, 1-based): chr6:160,731,212, T>C. VCF-style: chr6-160731212-T-C. GRCh37 (hg19) VCF-style: chr6-161152244-T-C.
Other names: short protein forms V473A.
Identifiers: ClinVar variation 2777133 (VCV002777133.3), dbSNP rs1333528760, ClinGen allele CA4087775.

ClinVar aggregate classification (germline): Uncertain significance (1 of 4 stars; one submission).

Allele frequency attached by ClinVar (database versions not stated): gnomAD exomes 0.00001; ExAC 0.00002; gnomAD 0.00002; TOPMed 0.00002.
gnomAD v4.1: 15 of 1,613,796 alleles (0.00093%); highest among the groups gnomAD compares: Non-Finnish European, 0.00059%; no homozygotes.

Submission:

Labcorp Genetics (formerly Invitae), Labcorp
Classification: Uncertain significance. Last evaluated: 2023-12-07. Review status: criteria provided, single submitter. Criteria: Invitae Variant Classification Sherloc (09022015). Collection method: clinical testing. Allele origin: germline.
Comment: This sequence change replaces valine, which is neutral and non-polar, with alanine, which is neutral and non-polar, at codon 473 of the PLG protein (p.Val473Ala). This variant is present in population databases (no rsID available, gnomAD 0.008%). This variant has not been reported in the literature in individuals affected with PLG-related conditions. Advanced modeling of protein sequence and biophysical properties (such as structural, functional, and spatial information, amino acid conservation, physicochemical variation, residue mobility, and thermodynamic stability) performed at Invitae indicates that this missense variant is not expected to disrupt PLG protein function with a negative predictive value of 80%. In summary, the available evidence is currently insufficient to determine the role of this variant in disease. Therefore, it has been classified as a Variant of Uncertain Significance.